The following is an entry in ClinVar:

ClinVar aggregate classification (germline): Uncertain significance (1 of 4 stars; one submission).

Submission:

Labcorp Genetics (formerly Invitae), Labcorp
Classification: Uncertain significance. Last evaluated: 2022-03-24. Review status: criteria provided, single submitter. Criteria: Invitae Variant Classification Sherloc (09022015). Collection method: clinical testing. Allele origin: germline.
Comment: In summary, the available evidence is currently insufficient to determine the role of this variant in disease. Therefore, it has been classified as a Variant of Uncertain Significance. Algorithms developed to predict the effect of missense changes on protein structure and function are either unavailable or do not agree on the potential impact of this missense change (SIFT: "Deleterious"; PolyPhen-2: "Possibly Damaging"; Align-GVGD: "Class C0"). This variant has not been reported in the literature in individuals affected with FZD2-related conditions. This variant is not present in population databases (gnomAD no frequency). This sequence change replaces valine, which is neutral and non-polar, with methionine, which is neutral and non-polar, at codon 565 of the FZD2 protein (p.Val565Met).

NM_001466.4(FZD2):c.1693G>A (p.Val565Met)

Gene: FZD2 (frizzled class receptor 2; plus strand). Cytogenetic location: 17q21.31.
Variant type: single nucleotide variant.
Coding change: c.1693G>A on transcript NM_001466.4 (MANE Select); coding-DNA position 1693, G replaced by A.
Protein change: p.Val565Met; replaces valine 565 with methionine.
Molecular consequence: missense variant.
Genome position (GRCh38, 1-based): chr17:44,559,381, G>A. VCF-style: chr17-44559381-G-A. GRCh37 (hg19) VCF-style: chr17-42636749-G-A.
Other names: short protein forms V565M.
Identifiers: ClinVar variation 2116440 (VCV002116440.4), dbSNP rs1265443674, ClinGen allele CA399800750.